The following is an entry in ClinVar:

NM_001374353.1(GLI2):c.3298G>T (p.Val1100Leu)

Gene: GLI2 (GLI family zinc finger 2; plus strand). Cytogenetic location: 2q14.2.
Variant type: single nucleotide variant.
Coding change: c.3298G>T on transcript NM_001374353.1 (MANE Select); coding-DNA position 3298, G replaced by T.
Protein change: p.Val1100Leu; replaces valine 1100 with leucine.
Molecular consequence: missense variant.
Genome position (GRCh38, 1-based): chr2:120,989,263, G>T. VCF-style: chr2-120989263-G-T. GRCh37 (hg19) VCF-style: chr2-121746839-G-T.
Other names: c.3349G>T, p.Val1117Leu (NM_001371271.1, NM_005270.5); c.2923G>T, p.Val975Leu (NM_001374354.1); short protein forms V1117L, V1100L, V975L.
Identifiers: ClinVar variation 95270 (VCV000095270.21), dbSNP rs147580961, ClinGen allele CA148365.

ClinVar aggregate classification (germline): Benign/Likely benign. Review status: criteria provided, multiple submitters, no conflicts (2 of 4 stars). 7 submissions from 7 submitters: Benign (3); Likely benign (4). Last evaluated 2026-01-21.

Conditions:
Holoprosencephaly 9 (HPE9). Also called: PITUITARY ANOMALIES WITH HOLOPROSENCEPHALY-LIKE FEATURES; HOLOPROSENCEPHALY WITH MICROPHTHALMIA AND FIRST BRANCHIAL ARCH ANOMALIES. Identifiers: Orphanet 2162, MedGen C1835819, MONDO:0012563, OMIM 610829.
Postaxial polydactyly-anterior pituitary anomalies-facial dysmorphism syndrome. Also called: Culler-Jones syndrome. Identifiers: Orphanet 420584, MedGen C4014479, MONDO:0014369, OMIM 615849.

Allele frequency attached by ClinVar (database versions not stated): gnomAD exomes 0.00043; gnomAD 0.00222 and 0.00210; ESP Exome Variant Server 0.00223; 1000 Genomes Project 30x 0.00390; 1000 Genomes Project 0.00280; ExAC 0.00053; TOPMed 0.00231.
gnomAD v4.1: 602 of 1,613,112 alleles (0.037%); highest among the groups gnomAD compares: African/African-American, 0.71%; 2 homozygotes.

Submissions (7):

Labcorp Genetics (formerly Invitae), Labcorp
Classification: Benign for Postaxial polydactyly-anterior pituitary anomalies-facial dysmorphism syndrome; Holoprosencephaly 9. Last evaluated: 2026-01-21. Review status: criteria provided, single submitter. Criteria: Invitae Variant Classification Sherloc (09022015). Collection method: clinical testing. Allele origin: germline.

Blueprint Genetics
Classification: Likely benign. Last evaluated: 2024-09-20. Review status: criteria provided, single submitter. Criteria: ACMG Guidelines, 2015. Collection method: clinical testing. Allele origin: germline.

Illumina Laboratory Services, Illumina
Classification: Benign for Holoprosencephaly 9. Last evaluated: 2018-01-12. Review status: criteria provided, single submitter. Criteria: ICSL Variant Classification Criteria 13 December 2019. Collection method: clinical testing. Allele origin: germline.
Comment: This variant was observed in the ICSL laboratory as part of a predisposition screen in an ostensibly healthy population. It had not been previously curated by ICSL or reported in the Human Gene Mutation Database (HGMD: prior to June 1st, 2018), and was therefore a candidate for classification through an automated scoring system. Utilizing variant allele frequency, disease prevalence and penetrance estimates, and inheritance mode, an automated score was calculated to assess if this variant is too frequent to cause the disease. Based on the score and internal cut-off values, a variant classified as benign is not then subjected to further curation. The score for this variant resulted in a classification of benign for this disease.

Center for Pediatric Genomic Medicine, Children's Mercy Hospital and Clinics
Classification: Likely benign. Last evaluated: 2017-05-04. Review status: criteria provided, single submitter. Criteria: ACMG Guidelines, 2015. Collection method: clinical testing. Allele origin: germline.

Eurofins Ntd Llc (ga)
Classification: Benign. Last evaluated: 2013-08-09. Review status: criteria provided, single submitter. Criteria: EGL Classification Definitions 2015. Collection method: clinical testing. Allele origin: germline. Observed: 1 variant allele, 1 heterozygote.

Breakthrough Genomics
Classification: Likely benign. Review status: criteria provided, single submitter. Criteria: ACMG Guidelines, 2015. Collection method: not provided. Allele origin: germline. Inheritance: Autosomal dominant inheritance. Affected: yes.

PreventionGenetics, part of Exact Sciences
Classification: Likely benign. Review status: criteria provided, single submitter. Criteria: ACMG Guidelines, 2015. Collection method: clinical testing. Allele origin: germline.